The following is an entry in ClinVar:

NM_002485.5(NBN):c.1358A>C (p.Asn453Thr)

Gene: NBN (nibrin; minus strand). Cytogenetic location: 8q21.3.
Variant type: single nucleotide variant.
Coding change: c.1358A>C on transcript NM_002485.5 (MANE Select); coding-DNA position 1358, A replaced by C.
Protein change: p.Asn453Thr; replaces asparagine 453 with threonine.
Molecular consequence: missense variant.
Genome position (GRCh38, 1-based): chr8:89,955,322, T>G on the plus strand (A>C on the coding strand, the complement: NBN is on the minus strand). VCF-style: chr8-89955322-T-G. GRCh37 (hg19) VCF-style: chr8-90967550-T-G.
Other names: c.1112A>C, p.Asn371Thr (NM_001024688.3); short protein forms N371T, N453T.
Identifiers: ClinVar variation 2566728 (VCV002566728.5), dbSNP rs1380924268, ClinGen allele CA371656035.
Genomic context (GRCh38, chr8:89,955,322, plus strand): 5'-GAGAAGTTATCAAAAACAGACCTTTTTTTGGTAGACGGCTGAAAGTAGTTTCTGATGGAG[T>G]TGGTCTGCTGCTGCTGAGAAGCCCTATCTTTACTTTTATTTATACTTGGCAATTTAGTTG-3'
Protein context (NP_002476.2, residues 443-463): KDRASQQQQT[Asn453Thr]SIRNYFQPST

ClinVar aggregate classification (germline): Uncertain significance. Review status: criteria provided, multiple submitters, no conflicts (2 of 4 stars). 2 submissions from 2 submitters: Uncertain significance (2). Last evaluated 2023-07-19.

Conditions:
Hereditary cancer-predisposing syndrome. Also called: Neoplastic Syndromes, Hereditary; Hereditary Cancer Syndrome; Tumor predisposition; Hereditary neoplastic syndrome. Identifiers: Orphanet 140162, MedGen C0027672, MeSH D009386, MONDO:0015356.
Microcephaly, normal intelligence and immunodeficiency (NBS). Also called: IMMUNODEFICIENCY, MICROCEPHALY, AND CHROMOSOMAL INSTABILITY; Ataxia telangiectasia variant V1; SEEMANOVA SYNDROME II; Immunodeficiency, microcephaly with normal intelligence; BERLIN BREAKAGE SYNDROME; Nijmegen breakage syndrome. Identifiers: Orphanet 647, MedGen C0398791, MONDO:0009623, OMIM 251260.

Submissions (2):

Labcorp Genetics (formerly Invitae), Labcorp
Classification: Uncertain significance for Microcephaly, normal intelligence and immunodeficiency. Last evaluated: 2023-07-19. Review status: criteria provided, single submitter. Criteria: Invitae Variant Classification Sherloc (09022015). Collection method: clinical testing. Allele origin: germline.
Comment: This sequence change replaces asparagine, which is neutral and polar, with threonine, which is neutral and polar, at codon 453 of the NBN protein (p.Asn453Thr). This variant is not present in population databases (gnomAD no frequency). This variant has not been reported in the literature in individuals affected with NBN-related conditions. ClinVar contains an entry for this variant (Variation ID: 2566728). An algorithm developed to predict the effect of missense changes on protein structure and function (PolyPhen-2) suggests that this variant is likely to be tolerated. In summary, the available evidence is currently insufficient to determine the role of this variant in disease. Therefore, it has been classified as a Variant of Uncertain Significance.

Ambry Genetics
Classification: Uncertain significance for Hereditary cancer-predisposing syndrome. Last evaluated: 2023-04-03. Review status: criteria provided, single submitter. Criteria: Ambry Variant Classification Scheme 2023. Collection method: clinical testing. Allele origin: germline.
Comment: The p.N453T variant (also known as c.1358A>C), located in coding exon 10 of the NBN gene, results from an A to C substitution at nucleotide position 1358. The asparagine at codon 453 is replaced by threonine, an amino acid with similar properties. This amino acid position is conserved. In addition, this alteration is predicted to be tolerated by in silico analysis. Since supporting evidence is limited at this time, the clinical significance of this alteration remains unclear.